The following is an entry in ClinVar:

NM_003742.4(ABCB11):c.3092T>C (p.Leu1031Pro)

Gene: ABCB11 (ATP binding cassette subfamily B member 11; minus strand). Cytogenetic location: 2q31.1.
Variant type: single nucleotide variant.
Coding change: c.3092T>C on transcript NM_003742.4 (MANE Select); coding-DNA position 3092, T replaced by C.
Protein change: p.Leu1031Pro; replaces leucine 1031 with proline.
Molecular consequence: missense variant.
Genome position (GRCh38, 1-based): chr2:168,932,498, A>G on the plus strand (T>C on the coding strand, the complement: ABCB11 is on the minus strand). VCF-style: chr2-168932498-A-G. GRCh37 (hg19) VCF-style: chr2-169789008-A-G.
Other names: short protein forms L1031P.
Identifiers: ClinVar variation 4846073 (VCV004846073.1).

ClinVar aggregate classification (germline): Uncertain significance (1 of 4 stars; one submission).

Conditions:
Familial intrahepatic cholestasis. Identifiers: Orphanet 284385, MedGen CN296401, MONDO:0017290.

Submission:

Genomenon, Inc
Classification: Uncertain significance for Familial intrahepatic cholestasis. Last evaluated: 2026-04-14. Review status: criteria provided, single submitter. Criteria: Genomenon Sequence Variant Interpretation Standards - Updated. Collection method: curation. Allele origin: germline. Affected: yes.
Comment: ABCB11 p.Leu1031Pro (c.3092T>C) is a missense variant that changes the amino acid at residue 1031 from Leucine to Proline. This variant has been observed in at least one proband with an ABCB11-related disorder (PMID:32087350). It is absent or not present at a significant frequency in gnomAD. In silico models predict that this variant is possibly or probably damaging. In conclusion, we classify ABCB11 p.Leu1031Pro (c.3092T>C) as a variant of uncertain significance.

Literature cited by the submitters: PubMed 32087350.